The following is an entry in ClinVar:

NM_000368.5(TSC1):c.2272C>T (p.Gln758Ter)

Gene: TSC1 (TSC complex subunit 1; minus strand). Cytogenetic location: 9q34.13.
Variant type: single nucleotide variant.
Coding change: c.2272C>T on transcript NM_000368.5 (MANE Select); coding-DNA position 2272, C replaced by T.
Protein change: p.Gln758Ter; replaces glutamine 758 with a stop codon.
Molecular consequence: nonsense.
Genome position (GRCh38, 1-based): chr9:132,902,724, G>A on the plus strand (C>T on the coding strand, the complement: TSC1 is on the minus strand). VCF-style: chr9-132902724-G-A. GRCh37 (hg19) VCF-style: chr9-135778111-G-A.
Other names: c.2269C>T, p.Gln757Ter (NM_001162426.2); c.2119C>T, p.Gln707Ter (NM_001162427.2); c.1909C>T, p.Gln637Ter (NM_001362177.2); short protein forms Q758*, Q757*, Q707*, Q637*.
Identifiers: ClinVar variation 64712 (VCV000064712.14), dbSNP rs397514783, ClinGen allele CA006205.

ClinVar aggregate classification (germline): Pathogenic. Review status: criteria provided, multiple submitters, no conflicts (2 of 4 stars). 6 submissions from 5 submitters: Pathogenic (4). 2 of the submissions do not count toward it. Last evaluated 2024-01-23.

Conditions:
Tuberous sclerosis syndrome (TSC). Also called: Tuberous sclerosis; Tuberous Sclerosis Complex. Identifiers: Orphanet 805, MedGen C0041341, MONDO:0001734.
Tuberous sclerosis 1 (TSC1). Identifiers: Orphanet 805, MedGen C1854465, MONDO:0008612, OMIM 191100.

Submissions (6):

GeneDx
Classification: Pathogenic. Last evaluated: 2024-01-23. Review status: criteria provided, single submitter. Criteria: GeneDx Variant Classification Process June 2021. Collection method: clinical testing. Allele origin: germline. Affected: yes.
Comment: Nonsense variant predicted to result in protein truncation or nonsense mediated decay in a gene for which loss of function is a known mechanism of disease; Not observed at significant frequency in large population cohorts (gnomAD); This variant is associated with the following publications: (PMID: 34849272, 28087349)

Labcorp Genetics (formerly Invitae), Labcorp
Classification: Pathogenic for Tuberous sclerosis 1. Last evaluated: 2023-10-19. Review status: criteria provided, single submitter. Criteria: Invitae Variant Classification Sherloc (09022015). Collection method: clinical testing. Allele origin: germline.
Comment: This sequence change creates a premature translational stop signal (p.Gln758*) in the TSC1 gene. It is expected to result in an absent or disrupted protein product. Loss-of-function variants in TSC1 are known to be pathogenic (PMID: 10227394, 17304050). This variant is not present in population databases (gnomAD no frequency). This premature translational stop signal has been observed in individuals with tuberous sclerosis complex (PMID: 28087349). ClinVar contains an entry for this variant (Variation ID: 64712). For these reasons, this variant has been classified as Pathogenic.

Genome-Nilou Lab
Classification: Pathogenic for Tuberous sclerosis 1. Last evaluated: 2021-11-07. Review status: criteria provided, single submitter. Criteria: ACMG Guidelines, 2015. Collection method: clinical testing. Allele origin: germline. Affected: no.

Imagene.me medical diagnostic laboratory, IMAGENE.ME SA
Classification: Pathogenic for Tuberous sclerosis 1. Review status: criteria provided, single submitter. Criteria: IMAGENE.ME Variant Classification SOP 2022. Collection method: clinical testing. Allele origin: de novo. Affected: yes.
Comment: Classified according to the IMAGENE.ME variant classification SOP based on the ACMG guidelines as Pathogenic (P): PVS1 + PM2_Supporting + PS2_Moderate

Tuberous sclerosis database (TSC1)
No classification provided. Condition: TSC. Review status: no classification provided. Criteria: Tuberous Sclerosis Database Assertion Criteria 2015. Collection method: curation. Allele origin: germline. Affected: yes. Not counted in ClinVar's aggregate classification.

Tuberous sclerosis database (TSC1)
No classification provided. Condition: TSC. Review status: flagged submission. Criteria: Tuberous Sclerosis Database Assertion Criteria 2015. Collection method: curation. Allele origin: germline. Affected: yes. Not counted in ClinVar's aggregate classification.
ClinVar note: Reason: This record appears to be redundant with a more recent record from the same submitter.
ClinVar note: Notes: SCV000083103 appears to be redundant with SCV000083173.

Literature cited by the submitters: PubMed 10227394 (cited by Labcorp Genetics (formerly Invitae), Labcorp); PubMed 17304050 (cited by Labcorp Genetics (formerly Invitae), Labcorp); PubMed 28087349 (cited by Labcorp Genetics (formerly Invitae), Labcorp).